The following is an entry in ClinVar:

ClinVar aggregate classification (germline): Likely pathogenic (1 of 4 stars; one submission).

Conditions:
Diamond-Blackfan anemia. Also called: Blackfan Diamond syndrome; Aregenerative anemia chronic congenital; Red cell aplasia, pure hereditary; Congenital hypoplastic anemia; Aase syndrome. Identifiers: Orphanet 124, MedGen C1260899, MeSH D029503, MONDO:0015253, HP:0004810.

Submission:

Ambry Genetics
Classification: Likely pathogenic for Diamond-Blackfan anemia. Last evaluated: 2017-05-15. Review status: criteria provided, single submitter. Criteria: Ambry Variant Classification Scheme 2023. Collection method: clinical testing. Allele origin: germline.
Comment: The c.313-2A>G intronic variant results from an A to G substitution two nucleotides upstream from coding exon 4 in the RPS26 gene. This nucleotide position is highly conserved in available vertebrate species. Using the BDGP and ESEfinder splice site prediction tools, this alteration is predicted to abolish the native splice acceptor site; however, direct evidence is unavailable. Alterations that disrupt the canonical splice site are expected to cause aberrant splicing, resulting in an abnormal protein or a transcript that is subject to nonsense-mediated mRNA decay. As such, this alteration is classified as likely pathogenic.

NM_001029.5(RPS26):c.313-2A>G

Gene: RPS26 (ribosomal protein S26; plus strand). Cytogenetic location: 12q13.2.
Variant type: single nucleotide variant.
Coding change: c.313-2A>G on transcript NM_001029.5 (MANE Select); the canonical splice acceptor site of the intron before coding-DNA position 313, A replaced by G.
Molecular consequence: splice acceptor variant.
Genome position (GRCh38, 1-based): chr12:56,044,117, A>G. VCF-style: chr12-56044117-A-G. GRCh37 (hg19) VCF-style: chr12-56437901-A-G.
Identifiers: ClinVar variation 1727981 (VCV001727981.2), dbSNP rs2540724145, ClinGen allele CA385327659.